The following is an entry in ClinVar:

NM_001029896.2(WDR45):c.726-2A>G

Gene: WDR45 (WD repeat domain 45; minus strand). Cytogenetic location: Xp11.23.
Variant type: single nucleotide variant.
Coding change: c.726-2A>G on transcript NM_001029896.2 (MANE Select); the canonical splice acceptor site of the intron before coding-DNA position 726, A replaced by G.
Molecular consequence: splice acceptor variant.
Genome position (GRCh38, 1-based): chrX:49,075,467, T>C on the plus strand (A>G on the coding strand, the complement: WDR45 is on the minus strand). VCF-style: chrX-49075467-T-C. GRCh37 (hg19) VCF-style: chrX-48933126-T-C.
Other names: c.729-2A>G (NM_007075.4).
Identifiers: ClinVar variation 4739118 (VCV004739118.2).
Genomic context (GRCh38, chrX:49,075,467, plus strand): 5'-GGACAGTACCCTTATCACTGGAAGCGCAGAGGAAGGAGGAGTCGTGGCTGAAGTTAATGC[T>C]AGAAGACAGATCAGCAGTGATGCCCACATGTCATGTGGTATGGGGTCACCAGCCCACCAT-3'

ClinVar aggregate classification (germline): Pathogenic. Review status: criteria provided, multiple submitters, no conflicts (2 of 4 stars). 2 submissions from 2 submitters: Pathogenic (2). Last evaluated 2025-09-17.

Conditions:
Neurodegeneration with brain iron accumulation 5 (NBIA5). Also called: STATIC ENCEPHALOPATHY OF CHILDHOOD WITH NEURODEGENERATION IN ADULTHOOD; Beta-propeller protein-associated neurodegeneration. Identifiers: Orphanet 329284, MedGen C3550973, MONDO:0010476, OMIM 300894.

Submissions (2):

GeneDx
Classification: Pathogenic. Last evaluated: 2025-09-17. Review status: criteria provided, single submitter. Criteria: GeneDx Variant Classification Process June 2021. Collection method: clinical testing. Allele origin: germline. Affected: yes.
Comment: Canonical splice site variant predicted to result in an in-frame loss of the adjacent exon in a gene for which loss of function is a known mechanism of disease; Not observed at significant frequency in large population cohorts (gnomAD); This variant is associated with the following publications: (PMID: 30455156, 32682237)

Labcorp Genetics (formerly Invitae), Labcorp
Classification: Pathogenic for Neurodegeneration with brain iron accumulation 5. Last evaluated: 2025-09-09. Review status: criteria provided, single submitter. Criteria: Invitae Variant Classification Sherloc (09022015). Collection method: clinical testing. Allele origin: germline.
Comment: This sequence change affects an acceptor splice site in intron 9 of the WDR45 gene. It is expected to disrupt RNA splicing. Variants that disrupt the donor or acceptor splice site typically lead to a loss of protein function (PMID: 16199547), and loss-of-function variants in WDR45 are known to be pathogenic (PMID: 23176820, 24368176, 24621584, 25744623, 26790960, 27030146, 27652284, 28554332). This variant is not present in population databases (gnomAD no frequency). Disruption of this splice site has been observed in individuals with Beta-propeller protein associated neurodegeneration (PMID: 30455156, 32682237). Algorithms developed to predict the effect of sequence changes on RNA splicing suggest that this variant may disrupt the consensus splice site. For these reasons, this variant has been classified as Pathogenic.

Literature cited by the submitters: PubMed 16199547 (cited by Labcorp Genetics (formerly Invitae), Labcorp); PubMed 23176820 (cited by Labcorp Genetics (formerly Invitae), Labcorp); PubMed 24368176 (cited by Labcorp Genetics (formerly Invitae), Labcorp); PubMed 24621584 (cited by Labcorp Genetics (formerly Invitae), Labcorp); PubMed 25744623 (cited by Labcorp Genetics (formerly Invitae), Labcorp); PubMed 26790960 (cited by Labcorp Genetics (formerly Invitae), Labcorp); PubMed 27030146 (cited by Labcorp Genetics (formerly Invitae), Labcorp); PubMed 27652284 (cited by Labcorp Genetics (formerly Invitae), Labcorp); PubMed 28554332 (cited by Labcorp Genetics (formerly Invitae), Labcorp); PubMed 30455156 (cited by Labcorp Genetics (formerly Invitae), Labcorp); PubMed 32682237 (cited by Labcorp Genetics (formerly Invitae), Labcorp).